The following is an entry in ClinVar:

NM_000384.3(APOB):c.3197T>C (p.Ile1066Thr)

Gene: APOB (apolipoprotein B; minus strand). Cytogenetic location: 2p24.1.
Variant type: single nucleotide variant.
Coding change: c.3197T>C on transcript NM_000384.3 (MANE Select); coding-DNA position 3197, T replaced by C.
Protein change: p.Ile1066Thr; replaces isoleucine 1066 with threonine.
Molecular consequence: missense variant.
Genome position (GRCh38, 1-based): chr2:21,016,574, A>G on the plus strand (T>C on the coding strand, the complement: APOB is on the minus strand). VCF-style: chr2-21016574-A-G. GRCh37 (hg19) VCF-style: chr2-21239446-A-G.
Other names: short protein forms I1066T.
Identifiers: ClinVar variation 3415689 (VCV003415689.1).

ClinVar aggregate classification (germline): Uncertain significance (1 of 4 stars; one submission).

Conditions:
Cardiovascular phenotype. Identifiers: MedGen CN230736.

Submission:

Ambry Genetics
Classification: Uncertain significance for Cardiovascular phenotype. Last evaluated: 2024-08-07. Review status: criteria provided, single submitter. Criteria: Ambry Variant Classification Scheme 2023. Collection method: clinical testing. Allele origin: germline.
Comment: The p.I1066T variant (also known as c.3197T>C), located in coding exon 21 of the APOB gene, results from a T to C substitution at nucleotide position 3197. The isoleucine at codon 1066 is replaced by threonine, an amino acid with similar properties. This amino acid position is conserved. In addition, this alteration is predicted to be tolerated by in silico analysis. Based on the available evidence, the clinical significance of this variant remains unclear.